The following is an entry in ClinVar:

NM_000038.6(APC):c.1526C>G (p.Thr509Ser)

Gene: APC (APC regulator of Wnt signaling pathway; plus strand). Cytogenetic location: 5q22.2.
Variant type: single nucleotide variant.
Coding change: c.1526C>G on transcript NM_000038.6 (MANE Select); coding-DNA position 1526, C replaced by G.
Protein change: p.Thr509Ser; replaces threonine 509 with serine.
Molecular consequence: missense variant.
Genome position (GRCh38, 1-based): chr5:112,827,225, C>G. VCF-style: chr5-112827225-C-G. GRCh37 (hg19) VCF-style: chr5-112162922-C-G.
Other names: c.1526C>G, p.Thr509Ser (NM_001127510.3, NM_001354895.2); c.1472C>G, p.Thr491Ser (NM_001127511.3); c.1580C>G, p.Thr527Ser (NM_001354896.2); c.1556C>G, p.Thr519Ser (NM_001354897.2); c.1451C>G, p.Thr484Ser (NM_001354898.2); c.1442C>G, p.Thr481Ser (NM_001354899.2); c.1403C>G, p.Thr468Ser (NM_001354900.2); c.1349C>G, p.Thr450Ser (NM_001354901.2); and 5 more; short protein forms T383S, T509S, T527S, T226S, T349S, T418S, T450S, T468S.
Identifiers: ClinVar variation 920334 (VCV000920334.3), dbSNP rs1763793012, ClinGen allele CA16024644.

ClinVar aggregate classification (germline): Uncertain significance (1 of 4 stars; one submission).

Conditions:
Hereditary cancer-predisposing syndrome. Also called: Neoplastic Syndromes, Hereditary; Tumor predisposition; Hereditary Cancer Syndrome; Hereditary neoplastic syndrome. Identifiers: Orphanet 140162, MedGen C0027672, MeSH D009386, MONDO:0015356.

Submission:

Color Diagnostics, LLC DBA Color Health
Classification: Uncertain significance for Hereditary cancer-predisposing syndrome. Last evaluated: 2019-12-20. Review status: criteria provided, single submitter. Criteria: ACMG Guidelines, 2015. Collection method: clinical testing. Allele origin: germline.
Comment: This missense variant replaces threonine with serine at codon 509 of the APC protein. Computational prediction is inconclusive regarding the impact of this variant on protein structure and function (internally defined REVEL score threshold 0.5 < inconclusive < 0.7, PMID: 27666373). Splice site prediction tools suggest that this variant may not impact RNA splicing. To our knowledge, functional studies have not been performed for this variant. This variant has not been reported in individuals affected with hereditary cancer in the literature. This variant has not been identified in the general population by the Genome Aggregation Database (gnomAD). The available evidence is insufficient to determine the role of this variant in disease conclusively. Therefore, this variant is classified as a Variant of Uncertain Significance.